The following is an entry in ClinVar:

NM_007294.4(BRCA1):c.3341AAG[3] (p.Glu1115_Val1116insGlu)

Genes: BRCA1 (BRCA1 DNA repair associated; minus strand), LOC126862571 (BRD4-independent group 4 enhancer GRCh37_chr17:41243136-41244335; plus strand). Cytogenetic location: 17q21.31.
Variant type: Microsatellite.
Coding change: c.3341AAG[3] on transcript NM_007294.4 (MANE Select); three copies in a row of the 3-base unit AAG starting at c.3341; the reference has two copies in a row; one copy, 3 bases duplicated; also written c.3344_3346dup.
Protein change: p.Glu1115_Val1116insGlu.
Molecular consequence: inframe insertion. On other transcripts: inframe indel (2), intron variant (137).
Genome position (GRCh38, 1-based): chr17:43,092,185-43,092,187, CTT duplicated on the plus strand (AAG on the coding strand, the reverse complement: BRCA1 is on the minus strand); duplicating any 3 consecutive bases within chr17:43,092,185-43,092,191 gives the same sequence; the position shown is the placement nearest the transcript's 3' end. VCF-style (leftmost placement, unchanged base first): chr17-43092184-A-ACTT. GRCh37 (hg19) VCF-style: chr17-41244201-A-ACTT.
Other names: c.3344_3346dupAAG (NM_007294.3, NM_007294.4); c.3344_3346dup (NM_007294.3); c.3128AAG[3], p.Glu1044_Val1045insGlu (NM_001407571.1, NM_001407853.1, NM_001407894.1 and 9 more transcripts); c.3341AAG[3], p.Glu1115_Val1116insGlu (NM_001407581.1, NM_001407582.1, NM_001407583.1 and 30 more transcripts); c.3338AAG[3], p.Glu1114_Val1115insGlu (NM_001407587.1, NM_001407590.1, NM_001407591.1 and 22 more transcripts); c.3332AAG[3], p.Glu1112_Val1113insGlu (NM_001407646.1, NM_001407647.1); c.3218AAG[3], p.Glu1074_Val1075insGlu (NM_001407648.1, NM_001407664.1, NM_001407665.1 and 19 more transcripts); c.3215AAG[3], p.Glu1073_Val1074insGlu (NM_001407649.1, NM_001407670.1, NM_001407671.1 and 11 more transcripts); and 43 more.
Identifiers: ClinVar variation 142922 (VCV000142922.16), dbSNP rs80358336, ClinGen allele CA169781.

ClinVar aggregate classification (germline): Uncertain significance. Review status: criteria provided, multiple submitters, no conflicts (2 of 4 stars). 5 submissions from 5 submitters: Uncertain significance (5). Last evaluated 2025-12-19.

Conditions:
Hereditary cancer-predisposing syndrome. Also called: Neoplastic Syndromes, Hereditary; Hereditary neoplastic syndrome; Tumor predisposition; Hereditary Cancer Syndrome. Identifiers: Orphanet 140162, MedGen C0027672, MeSH D009386, MONDO:0015356.
Hereditary breast ovarian cancer syndrome. Also called: Hereditary breast and/or ovarian cancer syndrome; Hereditary breast and ovarian cancer syndrome; BRCA1- and BRCA2-Associated Hereditary Breast and Ovarian Cancer; Hereditary breast and ovarian cancer; Hereditary breast and ovarian cancer syndrome (HBOC); Breast and ovarian cancer. Identifiers: Orphanet 145, MedGen C0677776, MeSH D061325, MONDO:0003582. Disease mechanism: loss of function.

Submissions (5):

Ambry Genetics
Classification: Uncertain significance for Hereditary cancer-predisposing syndrome. Last evaluated: 2025-12-19. Review status: criteria provided, single submitter. Criteria: Ambry Variant Classification Scheme 2023. Collection method: clinical testing. Allele origin: germline.
Comment: The c.3344_3346dupAAG variant (also known as p.E1115dup), located in coding exon 9 of the BRCA1 gene, results from an in-frame duplication of three nucleotides at positions 3344 to 3346. This results in the insertion of an extra glutamic acid residue between codons 1115 and 1116. This amino acid position is poorly conserved in available vertebrate species. In addition, this alteration is predicted to be neutral by in silico analysis (Choi Y et al. PLoS ONE. 2012; 7(10):e46688). Since supporting evidence is limited at this time, the clinical significance of c.3344_3346dupAAG remains unclear.

Labcorp Genetics (formerly Invitae), Labcorp
Classification: Uncertain significance for Hereditary breast ovarian cancer syndrome. Last evaluated: 2025-05-06. Review status: criteria provided, single submitter. Criteria: Invitae Variant Classification Sherloc (09022015). Collection method: clinical testing. Allele origin: germline.
Comment: This variant, c.3344_3346dup, results in the insertion of 1 amino acid(s) of the BRCA1 protein (p.Glu1115dup), but otherwise preserves the integrity of the reading frame. This variant is not present in population databases (gnomAD no frequency). This variant has been observed in individual(s) with breast cancer (PMID: 29484706). ClinVar contains an entry for this variant (Variation ID: 142922). Experimental studies and prediction algorithms are not available or were not evaluated, and the functional significance of this variant is currently unknown. In summary, the available evidence is currently insufficient to determine the role of this variant in disease. Therefore, it has been classified as a Variant of Uncertain Significance.

Institute for Biomarker Research, Medical Diagnostic Laboratories, L.L.C.
Classification: Uncertain significance for Hereditary breast ovarian cancer syndrome. Last evaluated: 2024-10-22. Review status: criteria provided, single submitter. Criteria: ACMG Guidelines, 2015. Collection method: clinical testing. Allele origin: germline.
Comment: The in-frame insertion NM_007294.4(BRCA1):c.3344_3346dupAAG (p.Glu1115dup) has not been reported previously as a pathogenic variant nor as a benign variant, to our knowledge. The p.Glu1115dup variant is novel (not in any individuals) in gnomAD. The p.Glu1115dup variant is novel (not in any individuals) in 1kG. This insertion results in the addition of a glutamic acid at position 1116 of the BRCA1 gene. However, as this is an in-frame insertion, it is not expected to result in either a truncated protein product or loss of protein through nonsense-mediated mRNA decay. The p.Glu1115dup variant is a in-frame insertion of an amino acid sequence that is repeated 2 times in the surrounding region. For these reasons, this variant has been classified as Uncertain Significance

GeneDx
Classification: Uncertain significance. Last evaluated: 2022-07-19. Review status: criteria provided, single submitter. Criteria: GeneDx Variant Classification Process June 2021. Collection method: clinical testing. Allele origin: germline. Affected: yes.
Comment: In-frame insertion of 1 amino acid in a non-repeat region; Not observed at significant frequency in large population cohorts (gnomAD); Observed in an individual with breast cancer (Guacci et al., 2018); Also known as 3463_3465dup; This variant is associated with the following publications: (PMID: 29484706)

Women's Health and Genetics/Laboratory Corporation of America, LabCorp
Classification: Uncertain significance. Last evaluated: 2017-10-05. Review status: criteria provided, single submitter. Criteria: LabCorp Variant Classification Summary - May 2015. Collection method: clinical testing. Allele origin: germline.
Comment: Variant summary: The BRCA1 c.3344_3346dupAAG (p.Glu1115dup) variant leads to an in-frame insertion of an additional Glutamate in a region that is not located in any known functional domain. One in silico tool predicts a benign outcome for this variant. This variant is absent in 245314 control chromosomes (gnomAD). The variant of interest has not, to our knowledge, been reported in affected individuals via publications and/or reputable databases; nor evaluated for functional impact by in vivo/vitro studies. One clinical diagnostic laboratory classified this variant as uncertain significance. Because of the absence of clinical information and the lack of functional studies, the variant is classified as a variant of uncertain significance (VUS).

Literature cited by the submitters: PubMed 29484706 (cited by Ambry Genetics and Labcorp Genetics (formerly Invitae), Labcorp).